The following is an entry in ClinVar:

ClinVar aggregate classification (germline): Likely benign (1 of 4 stars; one submission).

Allele frequency attached by ClinVar (database versions not stated): 1000 Genomes Project 30x 0.00047; 1000 Genomes Project 0.00060; ESP Exome Variant Server 0.00107; ExAC 0.00108; TOPMed 0.00111; gnomAD 0.00132; gnomAD exomes 0.00177.

Submission:

CeGaT Center for Human Genetics Tuebingen
Classification: Likely benign. Last evaluated: 2023-08-01. Review status: criteria provided, single submitter. Criteria: CeGaT Center For Human Genetics Tuebingen Variant Classification Criteria Version 2. Collection method: clinical testing. Allele origin: germline. Affected: yes. Observed: 1 variant allele.
Comment: MIA3: BP4, BS2

NM_198551.4(MIA3):c.2637C>A (p.Asp879Glu)

Gene: MIA3 (MIA SH3 domain ER export factor 3; plus strand). Cytogenetic location: 1q41.
Variant type: single nucleotide variant.
Coding change: c.2637C>A on transcript NM_198551.4 (MANE Select); coding-DNA position 2637, C replaced by A.
Protein change: p.Asp879Glu; replaces aspartic acid 879 with glutamic acid.
Molecular consequence: missense variant.
Genome position (GRCh38, 1-based): chr1:222,629,857, C>A. VCF-style: chr1-222629857-C-A. GRCh37 (hg19) VCF-style: chr1-222803199-C-A.
Other names: c.2637C>A, p.Asp879Glu (NM_001324062.2, NM_001324063.2); c.2145C>A, p.Asp715Glu (NM_001324064.2); short protein forms D715E, D879E.
Identifiers: ClinVar variation 2639915 (VCV002639915.24), dbSNP rs76329326, ClinGen allele CA1406913.
Genomic context (GRCh38, chr1:222,629,857, plus strand): 5'-GGAACATCTGAAGACCTCAGGGCTTGCAGGGGAGCCTGAGGGAGAACTCTCAAAAGAGGA[C>A]CATGAGAACACAGAGAAGTACATGGGCACAGAAAGCCAGGGGTCTGCTGCTGCAGAACCT-3'
Protein context (NP_940953.2, residues 869-889): GEPEGELSKE[Asp879Glu]HENTEKYMGT